The following is an entry in ClinVar:

NM_000540.3(RYR1):c.14173-764G>A

Gene: RYR1 (ryanodine receptor 1; plus strand). Cytogenetic location: 19q13.2.
Variant type: single nucleotide variant.
Coding change: c.14173-764G>A on transcript NM_000540.3 (MANE Select); 764 bases into the intron before coding-DNA position 14173, G replaced by A.
Molecular consequence: intron variant.
Genome position (GRCh38, 1-based): chr19:38,577,154, G>A. VCF-style: chr19-38577154-G-A. GRCh37 (hg19) VCF-style: chr19-39067794-G-A.
Other names: c.14158-764G>A (NM_001042723.2).
Identifiers: ClinVar variation 4883564 (VCV004883564.2).

ClinVar aggregate classification (germline): Uncertain significance (1 of 4 stars; one submission).

Conditions:
RYR1-related myopathy. Identifiers: Orphanet 98742, MedGen CN305348, MONDO:0100150.

gnomAD v4.1: 1 of 152,020 alleles (0.00066%); highest among the groups gnomAD compares: South Asian, 0.021%; no homozygotes.

Submission:

Dasa
Classification: Uncertain significance for RYR1-related myopathy. Last evaluated: 2025-12-29. Review status: criteria provided, single submitter. Criteria: DASA Assertion Criteria. Collection method: clinical testing. Allele origin: germline.
Comment: NM_000540.3(RYR1):c.14173-764G>A is an intronic variant. This variant is rare in population databases. The currently available literature and clinical evidence are not sufficient to establish a definitive association between this variant and the reported condition. Therefore, this variant is classified as a variant of uncertain significance.